The following is an entry in ClinVar:

ClinVar aggregate classification (germline): Uncertain significance (1 of 4 stars; one submission).

Conditions:
Hereditary cancer-predisposing syndrome. Also called: Neoplastic Syndromes, Hereditary; Tumor predisposition; Hereditary Cancer Syndrome; Hereditary neoplastic syndrome. Identifiers: Orphanet 140162, MedGen C0027672, MeSH D009386, MONDO:0015356.

Submission:

Ambry Genetics
Classification: Uncertain significance for Hereditary cancer-predisposing syndrome. Last evaluated: 2026-03-13. Review status: criteria provided, single submitter. Criteria: Ambry Variant Classification Scheme 2023. Collection method: clinical testing. Allele origin: germline.
Comment: The c.172-5C>T intronic variant results from a C to T substitution 5 nucleotides upstream from coding exon 4 in the MAX gene. This nucleotide position is poorly conserved in available vertebrate species. In silico splice site analysis predicts that this alteration will not have any significant effect on splicing. Based on the available evidence, the clinical significance of this variant remains unclear.

NM_002382.5(MAX):c.172-5C>T

Gene: MAX (MYC associated transcriptional regulator X; minus strand). Cytogenetic location: 14q23.3.
Variant type: single nucleotide variant.
Coding change: c.172-5C>T on transcript NM_002382.5 (MANE Select); 5 bases into the intron before coding-DNA position 172, C replaced by T.
Molecular consequence: intron variant.
Genome position (GRCh38, 1-based): chr14:65,078,041, G>A on the plus strand (C>T on the coding strand, the complement: MAX is on the minus strand). VCF-style: chr14-65078041-G-A. GRCh37 (hg19) VCF-style: chr14-65544759-G-A.
Other names: c.144+15667C>T (NM_001271069.2); c.171+15667C>T (NM_197957.4); c.-196-5C>T (NM_001407112.1, NM_001407111.1); c.-103-5C>T (NM_001407106.1, NM_001407107.1, NM_001320415.2 and 1 more transcripts); c.145-5C>T (NM_001407095.1, NM_001407110.1, NM_001407102.1 and 6 more transcripts); c.172-5C>T (NM_001407094.1, NM_001407104.1, NM_001407103.1 and 3 more transcripts); c.64-5C>T (NM_001407098.1).
Identifiers: ClinVar variation 4827582 (VCV004827582.1).